The following is an entry in ClinVar:

NM_000384.3(APOB):c.3112C>G (p.Gln1038Glu)

Gene: APOB (apolipoprotein B; minus strand). Cytogenetic location: 2p24.1.
Variant type: single nucleotide variant.
Coding change: c.3112C>G on transcript NM_000384.3 (MANE Select); coding-DNA position 3112, C replaced by G.
Protein change: p.Gln1038Glu; replaces glutamine 1038 with glutamic acid.
Molecular consequence: missense variant.
Genome position (GRCh38, 1-based): chr2:21,019,001, G>C on the plus strand (C>G on the coding strand, the complement: APOB is on the minus strand). VCF-style: chr2-21019001-G-C. GRCh37 (hg19) VCF-style: chr2-21241873-G-C.
Other names: short protein forms Q1038E.
Identifiers: ClinVar variation 5027363 (VCV005027363.1).
Genomic context (GRCh38, chr2:21,019,001, plus strand): 5'-TGAACCTGAGACTGCGAGCAGAGATGAGGCAGCTGTGTTTTGAATACTCACCTTCTGCTT[G>C]AGTTACAAACTTCAGGGTATCCACCAAGGCTCTGTCCTCTCTCTGGAGCTCATAGGTTGC-3'
Protein context (NP_000375.3, residues 1028-1048): ALVDTLKFVT[Gln1038Glu]AEGAKQTEAT

ClinVar aggregate classification (germline): Uncertain significance (1 of 4 stars; one submission).

Conditions:
Cardiovascular phenotype. Identifiers: MedGen CN230736.

gnomAD v4.1: 3 of 1,613,998 alleles (0.00019%); highest among the groups gnomAD compares: Non-Finnish European, 0.00025%; no homozygotes.

Submission:

Ambry Genetics
Classification: Uncertain significance for Cardiovascular phenotype. Last evaluated: 2026-07-02. Review status: criteria provided, single submitter. Criteria: Ambry Variant Classification Scheme 2023. Collection method: clinical testing. Allele origin: germline.
Comment: The p.Q1038E variant (also known as c.3112C>G), located in coding exon 20 of the APOB gene, results from a C to G substitution at nucleotide position 3112. The glutamine at codon 1038 is replaced by glutamic acid, an amino acid with highly similar properties. This amino acid position is conserved. In addition, this alteration is predicted to be tolerated by in silico analysis. Based on the available evidence, the clinical significance of this variant remains unclear.